The following is an entry in ClinVar:

NM_033026.6(PCLO):c.14864G>C (p.Gly4955Ala)

Genes: PCLO (piccolo presynaptic cytomatrix protein; minus strand), LOC126860089 (MED14-independent group 3 enhancer GRCh37_chr7:82434470-82435669; plus strand). Cytogenetic location: 7q21.11.
Variant type: single nucleotide variant.
Coding change: c.14864G>C on transcript NM_033026.6 (MANE Select); coding-DNA position 14864, G replaced by C.
Protein change: p.Gly4955Ala; replaces glycine 4955 with alanine.
Molecular consequence: missense variant.
Genome position (GRCh38, 1-based): chr7:82,805,757, C>G on the plus strand (G>C on the coding strand, the complement: PCLO is on the minus strand). VCF-style: chr7-82805757-C-G. GRCh37 (hg19) VCF-style: chr7-82435073-C-G.
Other names: short protein forms G4955A.
Identifiers: ClinVar variation 1465185 (VCV001465185.7), dbSNP rs2129468826, ClinGen allele CA368018553.

ClinVar aggregate classification (germline): Uncertain significance (1 of 4 stars; one submission).

Submission:

Labcorp Genetics (formerly Invitae), Labcorp
Classification: Uncertain significance. Last evaluated: 2021-07-24. Review status: criteria provided, single submitter. Criteria: Invitae Variant Classification Sherloc (09022015). Collection method: clinical testing. Allele origin: germline.
Comment: This variant has not been reported in the literature in individuals with PCLO-related conditions. Algorithms developed to predict the effect of missense changes on protein structure and function are either unavailable or do not agree on the potential impact of this missense change (SIFT: "Tolerated"; PolyPhen-2: "Not Available"; Align-GVGD: "Class C0"). In summary, the available evidence is currently insufficient to determine the role of this variant in disease. Therefore, it has been classified as a Variant of Uncertain Significance. This variant is not present in population databases (ExAC no frequency). This sequence change replaces glycine with alanine at codon 4955 of the PCLO protein (p.Gly4955Ala). The glycine residue is weakly conserved and there is a small physicochemical difference between glycine and alanine.